The following is an entry in ClinVar:

ClinVar aggregate classification (germline): Uncertain significance (1 of 4 stars; one submission).

Conditions:
Nephronophthisis 14 (NPHP14). Identifiers: Orphanet 2318, MedGen C3539071, MONDO:0013916, OMIM 614844.

Allele frequency attached by ClinVar (database versions not stated): gnomAD 0.00001 and 0.00002; TOPMed 0.00001; gnomAD exomes 0.00004; ExAC 0.00006; ESP Exome Variant Server 0.00023.
gnomAD v4.1: 93 of 1,613,830 alleles (0.0058%); highest among the groups gnomAD compares: South Asian, 0.019%; no homozygotes.

Submission:

Labcorp Genetics (formerly Invitae), Labcorp
Classification: Uncertain significance for Nephronophthisis 14. Last evaluated: 2021-08-24. Review status: criteria provided, single submitter. Criteria: Invitae Variant Classification Sherloc (09022015). Collection method: clinical testing. Allele origin: germline.
Comment: This sequence change replaces threonine with methionine at codon 1018 of the ZNF423 protein (p.Thr1018Met). The threonine residue is highly conserved and there is a moderate physicochemical difference between threonine and methionine. This variant is present in population databases (rs138264499, ExAC 0.01%). This variant has not been reported in the literature in individuals affected with ZNF423-related conditions. Algorithms developed to predict the effect of missense changes on protein structure and function are either unavailable or do not agree on the potential impact of this missense change (SIFT: "Deleterious"; PolyPhen-2: "Probably Damaging"; Align-GVGD: "Class C0"). In summary, the available evidence is currently insufficient to determine the role of this variant in disease. Therefore, it has been classified as a Variant of Uncertain Significance.

NM_001379286.1(ZNF423):c.3077C>T (p.Thr1026Met)

Gene: ZNF423 (zinc finger protein 423; minus strand). Cytogenetic location: 16q12.1.
Variant type: single nucleotide variant.
Coding change: c.3077C>T on transcript NM_001379286.1 (MANE Select); coding-DNA position 3077, C replaced by T.
Protein change: p.Thr1026Met; replaces threonine 1026 with methionine.
Molecular consequence: missense variant.
Genome position (GRCh38, 1-based): chr16:49,636,099, G>A on the plus strand (C>T on the coding strand, the complement: ZNF423 is on the minus strand). VCF-style: chr16-49636099-G-A. GRCh37 (hg19) VCF-style: chr16-49670010-G-A.
Other names: c.2873C>T, p.Thr958Met (NM_001271620.2); c.2702C>T, p.Thr901Met (NM_001330533.2); c.3053C>T, p.Thr1018Met (NM_015069.5); short protein forms T1018M, T901M, T1026M, T958M.
Identifiers: ClinVar variation 1045375 (VCV001045375.6), dbSNP rs138264499, ClinGen allele CA8046385.